The following is an entry in ClinVar:

ClinVar aggregate classification (germline): no classifications from unflagged records (0 of 4 stars; one submission).

Conditions:
Frontotemporal dementia and/or amyotrophic lateral sclerosis 5. Identifiers: MedGen C5436884, MONDO:0030875, OMIM 619141.

Allele frequency attached by ClinVar (database versions not stated): gnomAD exomes below 0.00001.
gnomAD v4.1: 3 of 1,609,378 alleles (0.00019%); highest among the groups gnomAD compares: Admixed American, 0.0017%; no homozygotes.

Submission:

OMIM
Classification: Pathogenic for FRONTOTEMPORAL DEMENTIA AND/OR AMYOTROPHIC LATERAL SCLEROSIS 5. Last evaluated: 2021-01-06. Review status: flagged submission. Collection method: literature only. Allele origin: germline.
ClinVar note: Notes: Flagging candidate with reason of insufficient supporting evidence. This gene has been classified as having a limited gene-disease relationship by a ClinGen Expert Panel.
ClinVar note: Reason: Other

Literature cited by the submitters: PubMed 27080313.

NM_001761.3(CCNF):c.585T>G (p.Ser195Arg)

Gene: CCNF (cyclin F; plus strand). Cytogenetic location: 16p13.3.
Variant type: single nucleotide variant.
Coding change: c.585T>G on transcript NM_001761.3 (MANE Select); coding-DNA position 585, T replaced by G.
Protein change: p.Ser195Arg; replaces serine 195 with arginine.
Molecular consequence: missense variant. On other transcripts: 5 prime UTR variant (1).
Genome position (GRCh38, 1-based): chr16:2,438,114, T>G. VCF-style: chr16-2438114-T-G. GRCh37 (hg19) VCF-style: chr16-2488115-T-G.
Other names: c.-340T>G (NM_001323538.2); short protein forms S195R.
Identifiers: ClinVar variation 992592 (VCV000992592.1), dbSNP rs1371569927, ClinGen allele CA394343898.
Genomic context (GRCh38, chr16:2,438,114, plus strand): 5'-TCTCCTTTTTTTAAAGACTCACAAAGCATCCATATTGCACTGCTTGGGCAGAGTGCTGAG[T>G]CTGTTCGAGGTGAGTCAAGTTGTTCTCTGCACTGGGACTTTGTGTTCGATACATCCCTAG-3'
Protein context (NP_001752.2, residues 185-205): SILHCLGRVL[Ser195Arg]LFEDEEKQQQ